The following is an entry in ClinVar:

NM_000321.3(RB1):c.1049+2T>A

Gene: RB1 (RB transcriptional corepressor 1; plus strand). Cytogenetic location: 13q14.2.
Variant type: single nucleotide variant.
Coding change: c.1049+2T>A on transcript NM_000321.3 (MANE Select); the canonical splice donor site of the intron after coding-DNA position 1049, T replaced by A.
Molecular consequence: splice donor variant.
Genome position (GRCh38, 1-based): chr13:48,367,605, T>A. VCF-style: chr13-48367605-T-A. GRCh37 (hg19) VCF-style: chr13-48941741-T-A.
Other names: c.1049+2T>A (NM_001407165.1, NM_001407166.1).
Identifiers: ClinVar variation 1068590 (VCV001068590.7), dbSNP rs41287453, ClinGen allele CA249276618.
Genomic context (GRCh38, chr13:48,367,605, plus strand): 5'-CTAGATGCAAGATTATTTTTGGATCATGATAAAACTCTTCAGACTGATTCTATAGACAGG[T>A]ATTGCACATGGTATATTTGATTGATTTGCTTTAGATATAGGTTGATACTGATATAGGTAG-3'

ClinVar aggregate classification (germline): Pathogenic (1 of 4 stars; one submission).

Conditions:
Retinoblastoma (RB1). Also called: RETINOBLASTOMA, SOMATIC. Identifiers: Orphanet 790, MedGen C0035335, MeSH D012175, MONDO:0008380, OMIM 180200, HP:0009919. Disease mechanism: loss of function. Inheritance: Both sporadic and heritable forms are tested..

Submission:

Labcorp Genetics (formerly Invitae), Labcorp
Classification: Pathogenic for Retinoblastoma. Last evaluated: 2020-10-01. Review status: criteria provided, single submitter. Criteria: Invitae Variant Classification Sherloc (09022015). Collection method: clinical testing. Allele origin: germline.
Comment: For these reasons, this variant has been classified as Pathogenic. Donor and acceptor splice site variants typically lead to a loss of protein function (PMID: 16199547), and loss-of-function variants in RB1 are known to be pathogenic (PMID: 17096365). Experimental studies have shown that a variant affecting this splice site disrupts mRNA splicing (PMID: 18449911). Disruption of this splice site has been observed in individual(s) with retinoblastoma (PMID: 18449911, Invitae). This variant is not present in population databases (ExAC no frequency). This sequence change affects a donor splice site in intron 10 of the RB1 gene. It is expected to disrupt RNA splicing and likely results in an absent or disrupted protein product.

Literature cited by the submitters: PubMed 16199547; PubMed 17096365; PubMed 18449911.